The following is an entry in ClinVar:

NM_005235.3(ERBB4):c.847T>C (p.Tyr283His)

Gene: ERBB4 (erb-b2 receptor tyrosine kinase 4; minus strand). Cytogenetic location: 2q34.
Variant type: single nucleotide variant.
Coding change: c.847T>C on transcript NM_005235.3 (MANE Select); coding-DNA position 847, T replaced by C.
Protein change: p.Tyr283His; replaces tyrosine 283 with histidine.
Molecular consequence: missense variant.
Genome position (GRCh38, 1-based): chr2:211,722,429, A>G on the plus strand (T>C on the coding strand, the complement: ERBB4 is on the minus strand). VCF-style: chr2-211722429-A-G. GRCh37 (hg19) VCF-style: chr2-212587154-A-G.
Other names: c.847T>C, p.Tyr283His (NM_001042599.2); short protein forms Y283H.
Identifiers: ClinVar variation 2104154 (VCV002104154.4), dbSNP rs2106122229, ClinGen allele CA350444197.

ClinVar aggregate classification (germline): Uncertain significance (1 of 4 stars; one submission).

Allele frequency attached by ClinVar (database versions not stated): gnomAD exomes below 0.00001.
gnomAD v4.1: 2 of 1,613,858 alleles (0.00012%); highest among the groups gnomAD compares: Non-Finnish European, 0.00017%; no homozygotes.

Submission:

Labcorp Genetics (formerly Invitae), Labcorp
Classification: Uncertain significance. Last evaluated: 2022-01-19. Review status: criteria provided, single submitter. Criteria: Invitae Variant Classification Sherloc (09022015). Collection method: clinical testing. Allele origin: germline.
Comment: Algorithms developed to predict the effect of missense changes on protein structure and function are either unavailable or do not agree on the potential impact of this missense change (SIFT: "Deleterious"; PolyPhen-2: "Probably Damaging"; Align-GVGD: "Class C0"). In summary, the available evidence is currently insufficient to determine the role of this variant in disease. Therefore, it has been classified as a Variant of Uncertain Significance. This variant has not been reported in the literature in individuals affected with ERBB4-related conditions. This variant is not present in population databases (gnomAD no frequency). This sequence change replaces tyrosine, which is neutral and polar, with histidine, which is basic and polar, at codon 283 of the ERBB4 protein (p.Tyr283His).